The following is an entry in ClinVar:

ClinVar aggregate classification (germline): Uncertain significance. Review status: criteria provided, multiple submitters, no conflicts (2 of 4 stars). 2 submissions from 2 submitters: Uncertain significance (2). Last evaluated 2025-08-06.

Conditions:
Charcot-Marie-Tooth disease type 4. Also called: Charcot-Marie-Tooth disease, type IV; Charcot-Marie-Tooth, Type 4. Identifiers: Orphanet 64749, MedGen C4082197, MONDO:0018995.
Inborn genetic diseases. Identifiers: MedGen C0950123, MeSH D030342.

Allele frequency attached by ClinVar (database versions not stated): gnomAD 0.00001; ExAC 0.00002; TOPMed 0.00002; gnomAD exomes 0.00004.
gnomAD v4.1: 25 of 1,614,074 alleles (0.0015%); highest among the groups gnomAD compares: Admixed American, 0.015%; no homozygotes.

Submissions (2):

Ambry Genetics
Classification: Uncertain significance for Inborn genetic diseases. Last evaluated: 2025-08-06. Review status: criteria provided, single submitter. Criteria: Ambry Variant Classification Scheme 2023. Collection method: clinical testing. Allele origin: germline.

Labcorp Genetics (formerly Invitae), Labcorp
Classification: Uncertain significance for Charcot-Marie-Tooth disease type 4. Last evaluated: 2021-10-03. Review status: criteria provided, single submitter. Criteria: Invitae Variant Classification Sherloc (09022015). Collection method: clinical testing. Allele origin: germline.
Comment: This sequence change replaces asparagine with serine at codon 675 of the SBF2 protein (p.Asn675Ser). The asparagine residue is weakly conserved and there is a small physicochemical difference between asparagine and serine. This variant is present in population databases (rs375407366, ExAC 0.009%). This variant has not been reported in the literature in individuals affected with SBF2-related conditions. Algorithms developed to predict the effect of missense changes on protein structure and function output the following: SIFT: "Tolerated"; PolyPhen-2: "Benign"; Align-GVGD: "Class C0". The serine amino acid residue is found in multiple mammalian species, which suggests that this missense change does not adversely affect protein function. Algorithms developed to predict the effect of sequence changes on RNA splicing suggest that this variant may create or strengthen a splice site. In summary, the available evidence is currently insufficient to determine the role of this variant in disease. Therefore, it has been classified as a Variant of Uncertain Significance.

NM_030962.4(SBF2):c.2024A>G (p.Asn675Ser)

Genes: SBF2 (SET binding factor 2; minus strand), LOC101928008 (uncharacterized LOC101928008; plus strand). Cytogenetic location: 11p15.4.
Variant type: single nucleotide variant.
Coding change: c.2024A>G on transcript NM_030962.4 (MANE Select); coding-DNA position 2024, A replaced by G.
Protein change: p.Asn675Ser; replaces asparagine 675 with serine.
Molecular consequence: missense variant.
Genome position (GRCh38, 1-based): chr11:9,858,302, T>C on the plus strand (A>G on the coding strand, the complement: SBF2 is on the minus strand). VCF-style: chr11-9858302-T-C. GRCh37 (hg19) VCF-style: chr11-9879849-T-C.
Other names: c.2024A>G, p.Asn675Ser (NM_001386339.1); c.1895A>G, p.Asn632Ser (NM_001386342.1); short protein forms N675S, N632S.
Identifiers: ClinVar variation 659252 (VCV000659252.6), dbSNP rs375407366, ClinGen allele CA5881663.